The following is an entry in ClinVar:

NM_080860.4(RSPH1):c.655dup (p.Leu219fs)

Gene: RSPH1 (radial spoke head component 1; minus strand). Cytogenetic location: 21q22.3.
Variant type: Duplication.
Coding change: c.655dup on transcript NM_080860.4 (MANE Select); coding-DNA position 655, one base duplicated (C; older notation c.655dupC).
Protein change: p.Leu219fs; shifts the reading frame from leucine 219.
Molecular consequence: frameshift variant.
Genome position (GRCh38, 1-based): chr21:42,477,363, G duplicated on the plus strand (C on the coding strand, the reverse complement: RSPH1 is on the minus strand); the first of 3 consecutive G bases (chr21:42,477,363-42,477,365); duplicating any one gives the same sequence. VCF-style (leftmost placement, unchanged base first): chr21-42477362-A-AG. GRCh37 (hg19) VCF-style: chr21-43897472-A-AG.
Other names: c.541dup, p.Leu181fs (NM_001286506.2); short protein forms L181fs, L219fs.
Identifiers: ClinVar variation 3667795 (VCV003667795.2).

ClinVar aggregate classification (germline): Pathogenic (1 of 4 stars; one submission).

Conditions:
Primary ciliary dyskinesia. Also called: Ciliary dyskinesia. Identifiers: Orphanet 244, MedGen C0008780, MONDO:0016575, HP:0012265.

Submission:

Labcorp Genetics (formerly Invitae), Labcorp
Classification: Pathogenic for Primary ciliary dyskinesia. Last evaluated: 2024-10-21. Review status: criteria provided, single submitter. Criteria: Invitae Variant Classification Sherloc (09022015). Collection method: clinical testing. Allele origin: germline.
Comment: This sequence change creates a premature translational stop signal (p.Leu219Profs*24) in the RSPH1 gene. It is expected to result in an absent or disrupted protein product. Loss-of-function variants in RSPH1 are known to be pathogenic (PMID: 23993197). This variant is present in population databases (rs767700639, gnomAD 0.003%). This variant has not been reported in the literature in individuals affected with RSPH1-related conditions. For these reasons, this variant has been classified as Pathogenic.

Literature cited by the submitters: PubMed 23993197.